The following is an entry in ClinVar:

NM_021076.4(NEFH):c.681C>G (p.Cys227Trp)

Gene: NEFH (neurofilament heavy chain; plus strand). Cytogenetic location: 22q12.2.
Variant type: single nucleotide variant.
Coding change: c.681C>G on transcript NM_021076.4 (MANE Select); coding-DNA position 681, C replaced by G.
Protein change: p.Cys227Trp; replaces cysteine 227 with tryptophan.
Molecular consequence: missense variant.
Genome position (GRCh38, 1-based): chr22:29,480,943, C>G. VCF-style: chr22-29480943-C-G. GRCh37 (hg19) VCF-style: chr22-29876932-C-G.
Other names: short protein forms C227W.
Identifiers: ClinVar variation 2987203 (VCV002987203.3), dbSNP rs1300478534, ClinGen allele CA411123631.

ClinVar aggregate classification (germline): Uncertain significance (1 of 4 stars; one submission).

Submission:

Labcorp Genetics (formerly Invitae), Labcorp
Classification: Uncertain significance. Last evaluated: 2023-11-07. Review status: criteria provided, single submitter. Criteria: Invitae Variant Classification Sherloc (09022015). Collection method: clinical testing. Allele origin: germline.
Comment: This sequence change replaces cysteine, which is neutral and slightly polar, with tryptophan, which is neutral and slightly polar, at codon 227 of the NEFH protein (p.Cys227Trp). This variant is not present in population databases (gnomAD no frequency). This variant has not been reported in the literature in individuals affected with NEFH-related conditions. Advanced modeling of protein sequence and biophysical properties (such as structural, functional, and spatial information, amino acid conservation, physicochemical variation, residue mobility, and thermodynamic stability) performed at Invitae indicates that this missense variant is not expected to disrupt NEFH protein function with a negative predictive value of 95%. In summary, the available evidence is currently insufficient to determine the role of this variant in disease. Therefore, it has been classified as a Variant of Uncertain Significance.